The following is an entry in ClinVar:

ClinVar aggregate classification (germline): Uncertain significance (1 of 4 stars; one submission).

Conditions:
Hereditary cancer-predisposing syndrome. Also called: Neoplastic Syndromes, Hereditary; Hereditary Cancer Syndrome; Hereditary neoplastic syndrome; Tumor predisposition. Identifiers: Orphanet 140162, MedGen C0027672, MeSH D009386, MONDO:0015356.

Submission:

Ambry Genetics
Classification: Uncertain significance for Hereditary cancer-predisposing syndrome. Last evaluated: 2023-05-01. Review status: criteria provided, single submitter. Criteria: Ambry Variant Classification Scheme 2023. Collection method: clinical testing. Allele origin: germline.
Comment: The p.Q277E variant (also known as c.829C>G), located in coding exon 10 of the BAP1 gene, results from a C to G substitution at nucleotide position 829. The glutamine at codon 277 is replaced by glutamic acid, an amino acid with highly similar properties. This amino acid position is highly conserved in available vertebrate species. In addition, this alteration is predicted to be tolerated by in silico analysis. Since supporting evidence is limited at this time, the clinical significance of this alteration remains unclear.

NM_004656.4(BAP1):c.829C>G (p.Gln277Glu)

Gene: BAP1 (BRCA1 associated deubiquitinase 1; minus strand). Cytogenetic location: 3p21.1.
Variant type: single nucleotide variant.
Coding change: c.829C>G on transcript NM_004656.4 (MANE Select); coding-DNA position 829, C replaced by G.
Protein change: p.Gln277Glu; replaces glutamine 277 with glutamic acid.
Molecular consequence: missense variant.
Genome position (GRCh38, 1-based): chr3:52,405,867, G>C on the plus strand (C>G on the coding strand, the complement: BAP1 is on the minus strand). VCF-style: chr3-52405867-G-C. GRCh37 (hg19) VCF-style: chr3-52439883-G-C.
Other names: c.775C>G, p.Gln259Glu (NM_001410772.1); short protein forms Q259E, Q277E.
Identifiers: ClinVar variation 2565172 (VCV002565172.2), dbSNP rs770127999, ClinGen allele CA353106835.